The following is an entry in ClinVar:

ClinVar aggregate classification (germline): Pathogenic (1 of 4 stars; one submission).

Conditions:
Fanconi anemia (FA). Also called: Fanconi's anemia. Identifiers: Orphanet 84, MedGen C0015625, MeSH D005199, MONDO:0019391.

Submission:

Labcorp Genetics (formerly Invitae), Labcorp
Classification: Pathogenic for Fanconi anemia. Last evaluated: 2019-09-25. Review status: criteria provided, single submitter. Criteria: Invitae Variant Classification Sherloc (09022015). Collection method: clinical testing. Allele origin: germline.
Comment: This sequence change creates a premature translational stop signal (p.Glu24*) in the FANCA gene. It is expected to result in an absent or disrupted protein product. For these reasons, this variant has been classified as Pathogenic. Loss-of-function variants in FANCA are known to be pathogenic (PMID: 19367192). This variant has not been reported in the literature in individuals with FANCA-related conditions. The frequency data for this variant in the population databases is considered unreliable, as metrics indicate insufficient coverage at this position in the ExAC database.

Literature cited by the submitters: PubMed 19367192.

NM_000135.4(FANCA):c.70G>T (p.Glu24Ter)

Genes: FANCA (FA complementation group A; minus strand), LOC112486223 (Sharpr-MPRA regulatory region 3988; plus strand). Cytogenetic location: 16q24.3.
Variant type: single nucleotide variant.
Coding change: c.70G>T on transcript NM_000135.4 (MANE Select); coding-DNA position 70, G replaced by T.
Protein change: p.Glu24Ter; replaces glutamic acid 24 with a stop codon.
Molecular consequence: nonsense.
Genome position (GRCh38, 1-based): chr16:89,816,546, C>A on the plus strand (G>T on the coding strand, the complement: FANCA is on the minus strand). VCF-style: chr16-89816546-C-A. GRCh37 (hg19) VCF-style: chr16-89882954-C-A.
Other names: c.70G>T, p.Glu24Ter (NM_001018112.3, NM_001286167.3, NM_001351830.2); short protein forms E24*.
Identifiers: ClinVar variation 961201 (VCV000961201.8), dbSNP rs1311396994, ClinGen allele CA397484403.